The following is an entry in ClinVar:

ClinVar aggregate classification (germline): Uncertain significance (1 of 4 stars; one submission).

gnomAD v4.1: 5 of 1,614,090 alleles (0.00031%); highest among the groups gnomAD compares: Admixed American, 0.0017%; no homozygotes.

Submission:

GeneDx
Classification: Uncertain significance. Last evaluated: 2025-06-17. Review status: criteria provided, single submitter. Criteria: GeneDx Variant Classification Process June 2021. Collection method: clinical testing. Allele origin: germline. Affected: yes.
Comment: Not observed at significant frequency in large population cohorts (gnomAD); In silico analysis supports that this missense variant has a deleterious effect on protein structure/function; Has not been previously published as pathogenic or benign to our knowledge

NM_001122955.4(BSCL2):c.878A>G (p.Asn293Ser)

Genes: BSCL2 (BSCL2 lipid droplet biogenesis associated, seipin; minus strand), HNRNPUL2-BSCL2 (HNRNPUL2-BSCL2 readthrough (NMD candidate); minus strand). Cytogenetic location: 11q12.3.
Variant type: single nucleotide variant.
Coding change: c.878A>G on transcript NM_001122955.4 (MANE Select); coding-DNA position 878, A replaced by G.
Protein change: p.Asn293Ser; replaces asparagine 293 with serine.
Molecular consequence: missense variant. On other transcripts: non-coding transcript variant (1), intron variant (1).
Genome position (GRCh38, 1-based): chr11:62,691,407, T>C on the plus strand (A>G on the coding strand, the complement: BSCL2 is on the minus strand). VCF-style: chr11-62691407-T-C. GRCh37 (hg19) VCF-style: chr11-62458879-T-C.
Other names: c.878A>G, p.Asn293Ser (NM_001386027.1, NM_001386028.1); c.686A>G, p.Asn229Ser (NM_032667.6); c.672-266A>G (NM_001130702.2); short protein forms N229S, N293S.
Identifiers: ClinVar variation 4538905 (VCV004538905.1).